The following is an entry in ClinVar:

ClinVar aggregate classification (germline): Uncertain significance (1 of 4 stars; one submission).

Submission:

Labcorp Genetics (formerly Invitae), Labcorp
Classification: Uncertain significance. Last evaluated: 2025-03-10. Review status: criteria provided, single submitter. Criteria: Invitae Variant Classification Sherloc (09022015). Collection method: clinical testing. Allele origin: germline.
Comment: This sequence change replaces proline, which is neutral and non-polar, with serine, which is neutral and polar, at codon 323 of the CEACAM16 protein (p.Pro323Ser). The frequency data for this variant in the population databases is considered unreliable, as metrics indicate poor data quality at this position in the gnomAD database. This variant has not been reported in the literature in individuals affected with CEACAM16-related conditions. An algorithm developed to predict the effect of missense changes on protein structure and function (PolyPhen-2) suggests that this variant is likely to be disruptive. In summary, the available evidence is currently insufficient to determine the role of this variant in disease. Therefore, it has been classified as a Variant of Uncertain Significance.

NM_001039213.4(CEACAM16):c.967C>T (p.Pro323Ser)

Genes: CEACAM16 (CEA cell adhesion molecule 16, tectorial membrane component; plus strand), CEACAM16-AS1 (CEACAM16, CEACAM19 and PVR antisense RNA 1; minus strand). Cytogenetic location: 19q13.32.
Variant type: single nucleotide variant.
Coding change: c.967C>T on transcript NM_001039213.4 (MANE Select); coding-DNA position 967, C replaced by T.
Protein change: p.Pro323Ser; replaces proline 323 with serine.
Molecular consequence: missense variant.
Genome position (GRCh38, 1-based): chr19:44,707,887, C>T. VCF-style: chr19-44707887-C-T. GRCh37 (hg19) VCF-style: chr19-45211159-C-T.
Other names: short protein forms P323S.
Identifiers: ClinVar variation 4714824 (VCV004714824.1).